The following is an entry in ClinVar:

ClinVar aggregate classification (germline): Uncertain significance (1 of 4 stars; one submission).

Submission:

Labcorp Genetics (formerly Invitae), Labcorp
Classification: Uncertain significance. Last evaluated: 2024-11-21. Review status: criteria provided, single submitter. Criteria: Invitae Variant Classification Sherloc (09022015). Collection method: clinical testing. Allele origin: germline.
Comment: This sequence change replaces valine, which is neutral and non-polar, with isoleucine, which is neutral and non-polar, at codon 26 of the NEDD4L protein (p.Val26Ile). This variant is not present in population databases (gnomAD no frequency). This variant has not been reported in the literature in individuals affected with NEDD4L-related conditions. An algorithm developed to predict the effect of missense changes on protein structure and function (PolyPhen-2) suggests that this variant is likely to be tolerated. In summary, the available evidence is currently insufficient to determine the role of this variant in disease. Therefore, it has been classified as a Variant of Uncertain Significance.

NM_001144967.3(NEDD4L):c.76G>A (p.Val26Ile)

Gene: NEDD4L (NEDD4 like E3 ubiquitin protein ligase; plus strand). Cytogenetic location: 18q21.31.
Variant type: single nucleotide variant.
Coding change: c.76G>A on transcript NM_001144967.3 (MANE Select); coding-DNA position 76, G replaced by A.
Protein change: p.Val26Ile; replaces valine 26 with isoleucine.
Molecular consequence: missense variant. On other transcripts: 5 prime UTR variant (3).
Genome position (GRCh38, 1-based): chr18:58,165,815, G>A. VCF-style: chr18-58165815-G-A. GRCh37 (hg19) VCF-style: chr18-55833047-G-A.
Other names: c.-288G>A (NM_001144964.1, NM_001144965.2); c.52G>A, p.Val18Ile (NM_001144968.2, NM_001144969.2); c.-366G>A (NM_001144971.2); c.76G>A, p.Val26Ile (NM_001243960.2, NM_015277.6); short protein forms V26I, V18I.
Identifiers: ClinVar variation 3681513 (VCV003681513.2).